The following is an entry in ClinVar:

NM_014233.4(UBTF):c.2125T>C (p.Ser709Pro)

Genes: ATXN7L3-AS1 (ATXN7L3 antisense RNA 1; plus strand), UBTF (upstream binding transcription factor; minus strand). Cytogenetic location: 17q21.31.
Variant type: single nucleotide variant.
Coding change: c.2125T>C on transcript NM_014233.4 (MANE Select); coding-DNA position 2125, T replaced by C.
Protein change: p.Ser709Pro; replaces serine 709 with proline.
Molecular consequence: missense variant. On other transcripts: non-coding transcript variant (1).
Genome position (GRCh38, 1-based): chr17:44,207,498, A>G on the plus strand (T>C on the coding strand, the complement: UBTF is on the minus strand). VCF-style: chr17-44207498-A-G. GRCh37 (hg19) VCF-style: chr17-42284866-A-G.
Other names: c.2014T>C, p.Ser672Pro (NM_001076683.2, NM_001076684.3); short protein forms S672P, S709P.
Identifiers: ClinVar variation 3363529 (VCV003363529.1).

ClinVar aggregate classification (germline): Uncertain significance (1 of 4 stars; one submission).

gnomAD v4.1: 1 of 1,613,822 alleles (0.000062%); highest among the groups gnomAD compares: Non-Finnish European, 0.000085%; no homozygotes.

Submission:

GeneDx
Classification: Uncertain significance. Last evaluated: 2023-10-24. Review status: criteria provided, single submitter. Criteria: GeneDx Variant Classification Process June 2021. Collection method: clinical testing. Allele origin: germline. Affected: yes.
Comment: Not observed at significant frequency in large population cohorts (gnomAD); In silico analysis supports that this missense variant does not alter protein structure/function; Has not been previously published as pathogenic or benign to our knowledge